The following is an entry in ClinVar:

ClinVar aggregate classification (germline): Likely pathogenic (1 of 4 stars; one submission).

Submission:

Dasa
Classification: Likely pathogenic. Last evaluated: 2025-05-19. Review status: criteria provided, single submitter. Criteria: DASA Assertion Criteria. Collection method: clinical testing. Allele origin: germline.
Comment: NM_019055.6(ROBO4):c.2475dup (p.Thr826Hisfs*57) is a frameshift variant in ROBO4 predicted to alter the reading frame and introduce a premature termination codon and is predicted to result in an absent or altered protein product. Loss of function is an established disease mechanism for ROBO4-associated disorders. Also, this variant is rare in population databases. Based on the currently available evidence, this variant is classified as likely pathogenic.

NM_019055.6(ROBO4):c.2475dup (p.Thr826fs)

Gene: ROBO4 (roundabout guidance receptor 4; minus strand). Cytogenetic location: 11q24.2.
Variant type: Duplication.
Coding change: c.2475dup on transcript NM_019055.6 (MANE Select); coding-DNA position 2475, one base duplicated (C; older notation c.2475dupC).
Protein change: p.Thr826fs; shifts the reading frame from threonine 826.
Molecular consequence: frameshift variant.
Genome position (GRCh38, 1-based): chr11:124,886,783, G duplicated on the plus strand (C on the coding strand, the reverse complement: ROBO4 is on the minus strand); the first of 6 consecutive G bases (chr11:124,886,783-124,886,788); duplicating any one gives the same sequence. VCF-style (leftmost placement, unchanged base first): chr11-124886782-T-TG. GRCh37 (hg19) VCF-style: chr11-124756678-T-TG.
Other names: c.2040dup, p.Thr681fs (NM_001301088.2); c.2361dup, p.Thr788fs (NM_001441183.1); short protein forms T681fs, T788fs, T826fs.
Identifiers: ClinVar variation 4880577 (VCV004880577.2).